The following is an entry in ClinVar:

NC_000023.10:g.(?_12885698)_(13787227_?)dup

Genes: ATXN3L (ataxin 3 like; minus strand), EGFL6 (EGF like domain multiple 6; plus strand), FAM9C (family with sequence similarity 9 member C; minus strand), OFD1 (OFD1 centriole and centriolar satellite protein; plus strand), RAB9A (RAB9A, member RAS oncogene family; plus strand) and 5 more. Cytogenetic location: Xp22.2.
Variant type: Duplication.
Identifiers: ClinVar variation 3246785 (VCV003246785.1).

ClinVar aggregate classification (germline): Uncertain significance (1 of 4 stars; one submission).

Submission:

Labcorp Genetics (formerly Invitae), Labcorp
Classification: Uncertain significance. Last evaluated: 2023-12-09. Review status: criteria provided, single submitter. Criteria: Invitae Variant Classification Sherloc (09022015). Collection method: clinical testing. Allele origin: unknown.
Comment: A copy number gain of the genomic region encompassing the full coding sequence of the TLR7 gene has been identified. The boundaries of this event are unknown as they extend beyond the assayed region for this gene and therefore may encompass additional genes. As the precise location of this event is unknown, it may be in tandem or it may be located elsewhere in the genome. A similar copy number variant has been observed in individual(s) with Behcet's disease and/or systemic lupus erythematosus (PMID: 20525845, 25512712, 25650422). Experimental studies and prediction algorithms are not available or were not evaluated, and the functional significance of this variant is currently unknown. In summary, the available evidence is currently insufficient to determine the role of this variant in disease. Therefore, it has been classified as a Variant of Uncertain Significance.

Literature cited by the submitters: PubMed 20525845; PubMed 25512712; PubMed 25650422.